The following is an entry in ClinVar:

NM_004525.3(LRP2):c.6858T>A (p.Phe2286Leu)

Gene: LRP2 (LDL receptor related protein 2; minus strand). Cytogenetic location: 2q31.1.
Variant type: single nucleotide variant.
Coding change: c.6858T>A on transcript NM_004525.3 (MANE Select); coding-DNA position 6858, T replaced by A.
Protein change: p.Phe2286Leu; replaces phenylalanine 2286 with leucine.
Molecular consequence: missense variant.
Genome position (GRCh38, 1-based): chr2:169,206,862, A>T on the plus strand (T>A on the coding strand, the complement: LRP2 is on the minus strand). VCF-style: chr2-169206862-A-T. GRCh37 (hg19) VCF-style: chr2-170063372-A-T.
Other names: p.Phe2286Leu; short protein forms F2286L.
Identifiers: ClinVar variation 546128 (VCV000546128.71), dbSNP rs140918583, ClinGen allele CA1954203.

ClinVar aggregate classification (germline): Conflicting classifications of pathogenicity. Review status: criteria provided, conflicting classifications (1 of 4 stars). 12 submissions from 12 submitters: Uncertain significance (7); Likely benign (4). 1 of the submissions does not count toward it. Last evaluated 2026-01-26.

Conditions:
Intellectual disability. Also called: Intellectual functioning disability; intellectual disabilities; Intellectual developmental disorder. Identifiers: MedGen C3714756, MeSH D008607, MONDO:0001071, HP:0001249.
Donnai-Barrow syndrome. Also called: DBS/FOAR SYNDROME; FACIOOCULOACOUSTICORENAL SYNDROME. Identifiers: Orphanet 2143, MedGen C1857277, MONDO:0009104, OMIM 222448.
LRP2-related disorder. Also called: LRP2-related condition.
Inborn genetic diseases. Identifiers: MedGen C0950123, MeSH D030342.

Allele frequency attached by ClinVar (database versions not stated): 1000 Genomes Project 0.00040; 1000 Genomes Project 30x 0.00078; ExAC 0.00078; gnomAD exomes 0.00085 and 0.00098; gnomAD 0.00088 and 0.00089; TOPMed 0.00092; ESP Exome Variant Server 0.00108.
gnomAD v4.1: 1,570 of 1,614,202 alleles (0.097%); highest among the groups gnomAD compares: Middle Eastern, 0.21%; 1 homozygote.

Submissions (13):

Labcorp Genetics (formerly Invitae), Labcorp
Classification: Likely benign. Last evaluated: 2026-01-26. Review status: criteria provided, single submitter. Criteria: Invitae Variant Classification Sherloc (09022015). Collection method: clinical testing. Allele origin: germline.

PreventionGenetics, part of Exact Sciences
Classification: Likely benign for LRP2-related condition. Last evaluated: 2025-11-14. Review status: criteria provided, single submitter. Criteria: ACMG Guidelines, 2015. Collection method: clinical testing. Allele origin: germline.
Comment: This variant is classified as likely benign based on ACMG/AMP sequence variant interpretation guidelines (Richards et al. 2015 PMID: 25741868, with internal and published modifications).

Mayo Clinic Laboratories, Mayo Clinic
Classification: Uncertain significance. Last evaluated: 2025-11-06. Review status: criteria provided, single submitter. Criteria: ACMG Guidelines, 2015. Collection method: clinical testing. Allele origin: germline. Observed: 3 variant alleles.

GeneDx
Classification: Uncertain significance. Last evaluated: 2025-02-19. Review status: criteria provided, single submitter. Criteria: GeneDx Variant Classification Process June 2021. Collection method: clinical testing. Allele origin: germline. Affected: yes.
Comment: Identified as a germline variant in patient with childhood cancers, although several other variants were also identified and proposed as candidates for the cancer predisposition in this individual (PMID: 35495172); of note, this patient also harbored the p.(V2583M) variant phase unknown; In silico analysis supports that this missense variant has a deleterious effect on protein structure/function; This variant is associated with the following publications: (PMID: 30350915, 35495172)

Blueprint Genetics
Classification: Likely benign. Last evaluated: 2024-11-25. Review status: criteria provided, single submitter. Criteria: ACMG Guidelines, 2015. Collection method: clinical testing. Allele origin: germline.

CeGaT Center for Human Genetics Tuebingen
Classification: Uncertain significance. Last evaluated: 2024-11-01. Review status: criteria provided, single submitter. Criteria: CeGaT Center For Human Genetics Tuebingen Variant Classification Criteria Version 2. Collection method: clinical testing. Allele origin: germline. Affected: yes. Observed: 5 variant alleles.

Ambry Genetics
Classification: Likely benign for Inborn genetic diseases. Last evaluated: 2021-10-09. Review status: criteria provided, single submitter. Criteria: Ambry Variant Classification Scheme 2023. Collection method: clinical testing. Allele origin: germline.

Genome-Nilou Lab
Classification: Uncertain significance for Donnai-Barrow syndrome. Last evaluated: 2021-07-15. Review status: criteria provided, single submitter. Criteria: ACMG Guidelines, 2015. Collection method: clinical testing. Allele origin: germline. Affected: no.

New York Genome Center
Classification: Uncertain significance for Donnai-Barrow syndrome. Last evaluated: 2020-07-10. Review status: criteria provided, single submitter. Criteria: NYGC Assertion Criteria 2020. Collection method: clinical testing. Allele origin: germline. Observed: 1 heterozygote. Study: CSER-NYCKidSeq.

Fulgent Genetics
Classification: Uncertain significance for Donnai-Barrow syndrome. Last evaluated: 2018-10-31. Review status: criteria provided, single submitter. Criteria: ACMG Guidelines, 2015. Collection method: clinical testing. Allele origin: unknown.

Illumina Laboratory Services, Illumina
Classification: Uncertain significance for Donnai-Barrow syndrome. Last evaluated: 2018-01-13. Review status: criteria provided, single submitter. Criteria: ICSL Variant Classification Criteria 13 December 2019. Collection method: clinical testing. Allele origin: germline.

Centre de Biologie Pathologie Génétique, Centre Hospitalier Universitaire de Lille
Classification: Likely benign for Intellectual disability. Last evaluated: 2019-01-01. Review status: no assertion criteria provided. Collection method: clinical testing. Allele origin: inherited. Affected: yes. Not counted in ClinVar's aggregate classification.

Dr. Peter K. Rogan Lab, Western University
No classification provided (evidence only). Condition: Thyroid cancer, nonmedullary, 1. Review status: no classification provided. Collection method: in vitro. Allele origin: not applicable. Functional consequence: retained intron. Not counted in ClinVar's aggregate classification.